The following is an entry in ClinVar:

ClinVar aggregate classification (germline): not provided (0 of 4 stars; one submission).

Conditions:
Tubulointerstitial kidney disease, autosomal dominant, 2 (ADTKD2). Also called: Medullary cystic kidney disease 1; MEDULLARY CYSTIC KIDNEY DISEASE, AUTOSOMAL DOMINANT; POLYCYSTIC KIDNEYS, MEDULLARY TYPE; Autosomal Dominant Tubulointerstitial Kidney Disease – MUC1. Identifiers: Orphanet 34149, Orphanet 88949, MedGen C1868139, MONDO:0020726, OMIM 174000.

Submission:

GeneReviews
No classification provided. Condition: Tubulointerstitial kidney disease, autosomal dominant, 2. Review status: no classification provided. Collection method: literature only. Allele origin: germline.
Comment: Insertion of a cytosine w/in the 7-cytosine sequence in a VNTR is the most common variant encoding the MUC1fs protein. Exact position of this VNTR in the VNTR domain is unknown & may vary between families [Kirby et al 2013].

Literature cited by the submitters: PubMed 23396133.

NC_000001.10:g.(155160963_155162030)insC

Variant type: Insertion.
Identifiers: ClinVar variation 1301999 (VCV001301999.2).